The following is an entry in ClinVar:

NM_001374828.1(ARID1B):c.1469G>C (p.Gly490Ala)

Gene: ARID1B (AT-rich interaction domain 1B; plus strand). Cytogenetic location: 6q25.3.
Variant type: single nucleotide variant.
Coding change: c.1469G>C on transcript NM_001374828.1 (MANE Select); coding-DNA position 1469, G replaced by C.
Protein change: p.Gly490Ala; replaces glycine 490 with alanine.
Molecular consequence: missense variant.
Genome position (GRCh38, 1-based): chr6:156,779,149, G>C. VCF-style: chr6-156779149-G-C. GRCh37 (hg19) VCF-style: chr6-157100283-G-C.
Other names: c.1220G>C, p.Gly407Ala (NM_001346813.1, NM_020732.3); c.1469G>C, p.Gly490Ala (NM_001371656.1, NM_001374820.1, NM_017519.3); c.1046G>C, p.Gly349Ala (NM_175863.2); short protein forms G349A, G490A, G407A.
Identifiers: ClinVar variation 2737904 (VCV002737904.3), dbSNP rs1365674704, ClinGen allele CA366384483.

ClinVar aggregate classification (germline): Uncertain significance (1 of 4 stars; one submission).

Submission:

Labcorp Genetics (formerly Invitae), Labcorp
Classification: Uncertain significance. Last evaluated: 2023-07-24. Review status: criteria provided, single submitter. Criteria: Invitae Variant Classification Sherloc (09022015). Collection method: clinical testing. Allele origin: germline.
Comment: This sequence change replaces glycine, which is neutral and non-polar, with alanine, which is neutral and non-polar, at codon 407 of the ARID1B protein (p.Gly407Ala). The frequency data for this variant in the population databases is considered unreliable, as metrics indicate insufficient coverage at this position in the gnomAD database. This variant has not been reported in the literature in individuals affected with ARID1B-related conditions. Advanced modeling of protein sequence and biophysical properties (such as structural, functional, and spatial information, amino acid conservation, physicochemical variation, residue mobility, and thermodynamic stability) performed at Invitae indicates that this missense variant is not expected to disrupt ARID1B protein function. In summary, the available evidence is currently insufficient to determine the role of this variant in disease. Therefore, it has been classified as a Variant of Uncertain Significance.